The following is an entry in ClinVar:

NM_001009944.3(PKD1):c.7581C>T (p.Val2527=)

Gene: PKD1 (polycystin 1, transient receptor potential channel interacting; minus strand). Cytogenetic location: 16p13.3.
Variant type: single nucleotide variant.
Coding change: c.7581C>T on transcript NM_001009944.3 (MANE Select); coding-DNA position 7581, C replaced by T.
Protein change: p.Val2527=; no amino-acid change (valine 2527 retained).
Molecular consequence: synonymous variant.
Genome position (GRCh38, 1-based): chr16:2,106,213, G>A on the plus strand (C>T on the coding strand, the complement: PKD1 is on the minus strand). VCF-style: chr16-2106213-G-A. GRCh37 (hg19) VCF-style: chr16-2156214-G-A.
Other names: c.7581C>T, p.Val2527= (NM_000296.4).
Identifiers: ClinVar variation 3045226 (VCV003045226.3), dbSNP rs766719977, ClinGen allele CA276779450.

ClinVar aggregate classification (germline): Likely benign. Review status: criteria provided, single submitter (1 of 4 stars). 2 submissions from 2 submitters: Likely benign (1). 1 of the submissions does not count toward it. Last evaluated 2022-06-14.

Conditions:
Polycystic kidney disease, adult type (PKD1). Also called: POLYCYSTIC KIDNEY DISEASE 1 WITH OR WITHOUT POLYCYSTIC LIVER DISEASE; POLYCYSTIC KIDNEY DISEASE, ADULT, TYPE I; Polycystic Kidney Disease 1, Autosomal Dominant; Polycystic kidney disease 1; Polycystic kidney disease 1, severe; Polycystic Kidney, Autosomal Dominant. Identifiers: MedGen C3149841, MONDO:0008263, OMIM 173900.
PKD1-related disorder. Also called: PKD1-related condition.

Allele frequency attached by ClinVar (database versions not stated): gnomAD 0.00001; TOPMed 0.00002.
gnomAD v4.1: 19 of 1,610,098 alleles (0.0012%); highest among the groups gnomAD compares: East Asian, 0.013%; no homozygotes.

Submissions (2):

Department of Pathology and Laboratory Medicine, Sinai Health System
Classification: Likely benign for Polycystic kidney disease, adult type. Last evaluated: 2022-06-14. Review status: criteria provided, single submitter. Criteria: ACMG Guidelines, 2015. Collection method: clinical testing. Allele origin: germline. Affected: yes.

PreventionGenetics, part of Exact Sciences
Classification: Likely benign for PKD1-related condition. Last evaluated: 2019-10-21. Review status: no assertion criteria provided. Collection method: clinical testing. Allele origin: germline. Not counted in ClinVar's aggregate classification.
Comment: This variant is classified as likely benign based on ACMG/AMP sequence variant interpretation guidelines (Richards et al. 2015 PMID: 25741868, with internal and published modifications).